The following is an entry in ClinVar:

NM_015001.3(SPEN):c.7850A>C (p.Lys2617Thr)

Gene: SPEN (spen family transcriptional repressor; plus strand). Cytogenetic location: 1p36.13.
Variant type: single nucleotide variant.
Coding change: c.7850A>C on transcript NM_015001.3 (MANE Select); coding-DNA position 7850, A replaced by C.
Protein change: p.Lys2617Thr; replaces lysine 2617 with threonine.
Molecular consequence: missense variant.
Genome position (GRCh38, 1-based): chr1:15,934,090, A>C. VCF-style: chr1-15934090-A-C. GRCh37 (hg19) VCF-style: chr1-16260585-A-C.
Other names: short protein forms K2617T.
Identifiers: ClinVar variation 4536759 (VCV004536759.1).
Genomic context (GRCh38, chr1:15,934,090, plus strand): 5'-AAGCCTCGGAGGTGCTGGTAGCTGCTGACAAGGAAAAGGTGGCTCCAGTCATTGCTCCCA[A>C]AATTACCTCTGTTATTAGCCGGATGCCTGTCAGCATTGACCTGGAAAATTCACAGAAGAT-3'
Protein context (NP_055816.2, residues 2607-2627): KEKVAPVIAP[Lys2617Thr]ITSVISRMPV

ClinVar aggregate classification (germline): Uncertain significance (1 of 4 stars; one submission).

gnomAD v4.1: 6 of 1,610,890 alleles (0.00037%); highest among the groups gnomAD compares: Non-Finnish European, 0.00051%; no homozygotes.

Submission:

Women's Health and Genetics/Laboratory Corporation of America, LabCorp
Classification: Uncertain significance. Last evaluated: 2025-11-13. Review status: criteria provided, single submitter. Criteria: LabCorp Variant Classification Summary - May 2015. Collection method: clinical testing. Allele origin: germline.
Comment: Variant summary: SPEN c.7850A>C (p.Lys2617Thr) results in a non-conservative amino acid change in the encoded protein sequence. Algorithms developed to predict the effect of missense changes on protein structure and function are either unavailable or do not agree on the potential impact of this missense change. The variant was absent in 250686 control chromosomes. The available data on variant occurrences in the general population are insufficient to allow any conclusion about variant significance. To our knowledge, no occurrence of c.7850A>C in individuals affected with SPEN-related conditions and no experimental evidence demonstrating its impact on protein function have been reported. No submitters have cited clinical-significance assessments for this variant to ClinVar. Based on the evidence outlined above, the variant was classified as uncertain significance.